The following is an entry in ClinVar:

ClinVar aggregate classification (germline): Uncertain significance (1 of 4 stars; one submission).

Submission:

Labcorp Genetics (formerly Invitae), Labcorp
Classification: Uncertain significance. Last evaluated: 2024-07-08. Review status: criteria provided, single submitter. Criteria: Invitae Variant Classification Sherloc (09022015). Collection method: clinical testing. Allele origin: germline.
Comment: This variant, c.2227_2235del, results in the deletion of 3 amino acid(s) of the ALPK1 protein (p.Ala743_Glu745del), but otherwise preserves the integrity of the reading frame. This variant is present in population databases (rs753419384, gnomAD 0.003%). This variant has not been reported in the literature in individuals affected with ALPK1-related conditions. Experimental studies and prediction algorithms are not available or were not evaluated, and the functional significance of this variant is currently unknown. In summary, the available evidence is currently insufficient to determine the role of this variant in disease. Therefore, it has been classified as a Variant of Uncertain Significance.

NM_025144.4(ALPK1):c.2227_2235del (p.Ala743_Glu745del)

Gene: ALPK1 (alpha kinase 1; plus strand). Cytogenetic location: 4q25.
Variant type: Deletion.
Coding change: c.2227_2235del on transcript NM_025144.4 (MANE Select); coding-DNA positions 2227 to 2235, 9 bases deleted (GCCTTTGAA; older notation c.2227_2235delGCCTTTGAA).
Protein change: p.Ala743_Glu745del.
Genome position (GRCh38, 1-based): chr4:112,431,774-112,431,782, GCCTTTGAA deleted; deleting any 9 consecutive bases within chr4:112,431,771-112,431,782 gives the same sequence; the c. name uses the placement nearest the transcript's 3' end. VCF-style (leftmost placement, unchanged base first): chr4-112431770-AGAAGCCTTT-A. GRCh37 (hg19) VCF-style: chr4-113352926-AGAAGCCTTT-A.
Other names: c.2227_2235del, p.Ala743_Glu745del (NM_001102406.2); c.1993_2001del, p.Ala665_Glu667del (NM_001253884.2).
Identifiers: ClinVar variation 3685589 (VCV003685589.2).